The following is an entry in ClinVar:

NM_007294.4(BRCA1):c.3873T>A (p.Cys1291Ter)

Genes: BRCA1 (BRCA1 DNA repair associated; minus strand), LOC126862571 (BRD4-independent group 4 enhancer GRCh37_chr17:41243136-41244335; plus strand). Cytogenetic location: 17q21.31.
Variant type: single nucleotide variant.
Coding change: c.3873T>A on transcript NM_007294.4 (MANE Select); coding-DNA position 3873, T replaced by A.
Protein change: p.Cys1291Ter; replaces cysteine 1291 with a stop codon.
Molecular consequence: nonsense. On other transcripts: intron variant (135).
Genome position (GRCh38, 1-based): chr17:43,091,658, A>T on the plus strand (T>A on the coding strand, the complement: BRCA1 is on the minus strand). VCF-style: chr17-43091658-A-T. GRCh37 (hg19) VCF-style: chr17-41243675-A-T.
Other names: c.3540T>A, p.Cys1180Ter (NM_001407947.1, NM_001407948.1, NM_001407949.1 and 6 more transcripts); c.3537T>A, p.Cys1179Ter (NM_001407954.1, NM_001407955.1, NM_001407956.1 and 1 more transcripts); c.3747T>A, p.Cys1249Ter (NM_001407941.1, NM_001407940.1, NM_001407649.1 and 11 more transcripts); c.3732T>A, p.Cys1244Ter (NM_001407942.1, NM_001407944.1, NM_001407945.1 and 29 more transcripts); c.3729T>A, p.Cys1243Ter (NM_001407943.1, NM_001407964.1, NM_001407740.1 and 20 more transcripts); c.3492T>A, p.Cys1164Ter (NM_001407959.1, NM_001407960.1, NM_001407963.1); c.3489T>A, p.Cys1163Ter (NM_001407962.1); c.3369T>A, p.Cys1123Ter (NM_001407965.1); and 41 more; short protein forms C1123*, C1221*, C1264*, C1290*, C423*, C995*, C1164*, C1180*.
Identifiers: ClinVar variation 1929513 (VCV001929513.5), dbSNP rs1245187485, ClinGen allele CA10594216.
Genomic context (GRCh38, chr17:43,091,658, plus strand): 5'-GTTTGTATTTGCAGTCAAGTCTTCCAATTCACTGCACTGTGAAGAAAACAAGCTAGCAGA[A>T]CATTTTGTTTCCTCACTAAGGTGATGTTCCTGAGATGCCTTTGCCAATATTACCTGGTTA-3'

ClinVar aggregate classification (germline): Pathogenic (1 of 4 stars; one submission).

Conditions:
Hereditary breast ovarian cancer syndrome. Also called: Hereditary breast and ovarian cancer syndrome; Hereditary breast and/or ovarian cancer syndrome; Hereditary breast and ovarian cancer; Hereditary breast and ovarian cancer syndrome (HBOC); Breast and ovarian cancer; BRCA1- and BRCA2-Associated Hereditary Breast and Ovarian Cancer. Identifiers: Orphanet 145, MedGen C0677776, MeSH D061325, MONDO:0003582. Disease mechanism: loss of function.

Submission:

Labcorp Genetics (formerly Invitae), Labcorp
Classification: Pathogenic for Hereditary breast ovarian cancer syndrome. Last evaluated: 2022-06-22. Review status: criteria provided, single submitter. Criteria: Invitae Variant Classification Sherloc (09022015). Collection method: clinical testing. Allele origin: germline.
Comment: This sequence change creates a premature translational stop signal (p.Cys1291*) in the BRCA1 gene. It is expected to result in an absent or disrupted protein product. Loss-of-function variants in BRCA1 are known to be pathogenic (PMID: 20104584). For these reasons, this variant has been classified as Pathogenic. Algorithms developed to predict the effect of sequence changes on RNA splicing suggest that this variant may create or strengthen a splice site. This premature translational stop signal has been observed in individual(s) with hereditary breast and/or ovarian cancer (PMID: 29176636). This variant is not present in population databases (gnomAD no frequency).

Literature cited by the submitters: PubMed 20104584; PubMed 29176636.